The following is an entry in ClinVar:

ClinVar aggregate classification (germline): Uncertain significance. Review status: criteria provided, multiple submitters, no conflicts (2 of 4 stars). 3 submissions from 3 submitters: Uncertain significance (2). 1 of the submissions does not count toward it. Last evaluated 2022-09-01.

Conditions:
Hereditary cancer-predisposing syndrome. Also called: Neoplastic Syndromes, Hereditary; Hereditary Cancer Syndrome; Tumor predisposition; Hereditary neoplastic syndrome. Identifiers: Orphanet 140162, MedGen C0027672, MeSH D009386, MONDO:0015356.
Fanconi anemia (FA). Also called: Fanconi's anemia. Identifiers: Orphanet 84, MedGen C0015625, MeSH D005199, MONDO:0019391.
Fanconi anemia complementation group C (FANCC). Also called: Fanconi anemia, group C; FANCC-Related Fanconi Anemia; FANCONI PANCYTOPENIA, TYPE 3; FACC. Identifiers: Orphanet 84, MedGen C3468041, MONDO:0009213, OMIM 227645.

Allele frequency attached by ClinVar (database versions not stated): gnomAD exomes below 0.00001; ESP Exome Variant Server 0.00008.
gnomAD v4.1: 6 of 1,614,120 alleles (0.00037%); highest among the groups gnomAD compares: Non-Finnish European, 0.00051%; no homozygotes.

Submissions (3):

Labcorp Genetics (formerly Invitae), Labcorp
Classification: Uncertain significance for Fanconi anemia. Last evaluated: 2022-09-01. Review status: criteria provided, single submitter. Criteria: Invitae Variant Classification Sherloc (09022015). Collection method: clinical testing. Allele origin: germline.
Comment: This sequence change replaces leucine, which is neutral and non-polar, with proline, which is neutral and non-polar, at codon 199 of the FANCC protein (p.Leu199Pro). This variant is not present in population databases (gnomAD no frequency). This variant has not been reported in the literature in individuals affected with FANCC-related conditions. ClinVar contains an entry for this variant (Variation ID: 853711). Algorithms developed to predict the effect of missense changes on protein structure and function are either unavailable or do not agree on the potential impact of this missense change (SIFT: "Tolerated"; PolyPhen-2: "Probably Damaging"; Align-GVGD: "Class C0"). In summary, the available evidence is currently insufficient to determine the role of this variant in disease. Therefore, it has been classified as a Variant of Uncertain Significance.

Ambry Genetics
Classification: Uncertain significance for Hereditary cancer-predisposing syndrome. Last evaluated: 2021-12-12. Review status: criteria provided, single submitter. Criteria: Ambry Variant Classification Scheme 2023. Collection method: clinical testing. Allele origin: germline.
Comment: The p.L199P variant (also known as c.596T>C), located in coding exon 6 of the FANCC gene, results from a T to C substitution at nucleotide position 596. The leucine at codon 199 is replaced by proline, an amino acid with similar properties. This amino acid position is conserved. In addition, this alteration is predicted to be deleterious by in silico analysis. Since supporting evidence is limited at this time, the clinical significance of this alteration remains unclear.

Natera, Inc.
Classification: Uncertain significance for Fanconi anemia, group C. Last evaluated: 2020-09-16. Review status: no assertion criteria provided. Collection method: clinical testing. Allele origin: germline. Not counted in ClinVar's aggregate classification.

NM_000136.3(FANCC):c.596T>C (p.Leu199Pro)

Genes: FANCC (FA complementation group C; minus strand), AOPEP (aminopeptidase O (putative); plus strand). Cytogenetic location: 9q22.32.
Variant type: single nucleotide variant.
Coding change: c.596T>C on transcript NM_000136.3 (MANE Select); coding-DNA position 596, T replaced by C.
Protein change: p.Leu199Pro; replaces leucine 199 with proline.
Molecular consequence: missense variant.
Genome position (GRCh38, 1-based): chr9:95,150,013, A>G on the plus strand (T>C on the coding strand, the complement: FANCC is on the minus strand). VCF-style: chr9-95150013-A-G. GRCh37 (hg19) VCF-style: chr9-97912295-A-G.
Other names: c.596T>C, p.Leu199Pro (NM_001243743.2, NM_001243744.2); short protein forms L199P.
Identifiers: ClinVar variation 853711 (VCV000853711.10), dbSNP rs143213659, ClinGen allele CA196573172.